The following is an entry in ClinVar:

NM_152424.4(AMER1):c.198C>G (p.Ile66Met)

Gene: AMER1 (APC membrane recruitment protein 1; minus strand). Cytogenetic location: Xq11.2.
Variant type: single nucleotide variant.
Coding change: c.198C>G on transcript NM_152424.4 (MANE Select); coding-DNA position 198, C replaced by G.
Protein change: p.Ile66Met; replaces isoleucine 66 with methionine.
Molecular consequence: missense variant.
Genome position (GRCh38, 1-based): chrX:64,193,089, G>C on the plus strand (C>G on the coding strand, the complement: AMER1 is on the minus strand). VCF-style: chrX-64193089-G-C. GRCh37 (hg19) VCF-style: chrX-63412969-G-C.
Other names: short protein forms I66M.
Identifiers: ClinVar variation 2978480 (VCV002978480.3), dbSNP rs887794973, ClinGen allele CA329958273.

ClinVar aggregate classification (germline): Uncertain significance (1 of 4 stars; one submission).

Submission:

Labcorp Genetics (formerly Invitae), Labcorp
Classification: Uncertain significance. Last evaluated: 2025-03-31. Review status: criteria provided, single submitter. Criteria: Invitae Variant Classification Sherloc (09022015). Collection method: clinical testing. Allele origin: germline.
Comment: This sequence change replaces isoleucine, which is neutral and non-polar, with methionine, which is neutral and non-polar, at codon 66 of the AMER1 protein (p.Ile66Met). This variant is not present in population databases (gnomAD no frequency). This variant has not been reported in the literature in individuals affected with AMER1-related conditions. ClinVar contains an entry for this variant (Variation ID: 2978480). An algorithm developed to predict the effect of missense changes on protein structure and function (PolyPhen-2) suggests that this variant is likely to be disruptive. In summary, the available evidence is currently insufficient to determine the role of this variant in disease. Therefore, it has been classified as a Variant of Uncertain Significance.